The following is an entry in ClinVar:

NM_015158.5(KANK1):c.1239C>T (p.Val413=)

Gene: KANK1 (KN motif and ankyrin repeat domains 1; plus strand). Cytogenetic location: 9p24.3.
Variant type: single nucleotide variant.
Coding change: c.1239C>T on transcript NM_015158.5 (MANE Select); coding-DNA position 1239, C replaced by T.
Protein change: p.Val413=; no amino-acid change (valine 413 retained).
Molecular consequence: synonymous variant. On other transcripts: non-coding transcript variant (1).
Genome position (GRCh38, 1-based): chr9:712,005, C>T. VCF-style: chr9-712005-C-T. GRCh37 (hg19) VCF-style: chr9-712005-C-T.
Other names: c.1239C>T, p.Val413= (NM_001256876.3, NM_001256877.3, NM_001354331.2 and 2 more transcripts); c.765C>T, p.Val255= (NM_001354333.2, NM_001354335.2, NM_001354336.2 and 9 more transcripts).
Identifiers: ClinVar variation 1597968 (VCV001597968.24), dbSNP rs148387245, ClinGen allele CA4960166.

ClinVar aggregate classification (germline): Likely benign. Review status: criteria provided, multiple submitters, no conflicts (2 of 4 stars). 2 submissions from 2 submitters: Likely benign (2). Last evaluated 2025-10-02.

Allele frequency attached by ClinVar (database versions not stated): ExAC 0.00008; gnomAD exomes 0.00008 and 0.00009; ESP Exome Variant Server 0.00015; gnomAD 0.00015 and 0.00017; 1000 Genomes Project 30x 0.00016; TOPMed 0.00016; 1000 Genomes Project 0.00020.
gnomAD v4.1: 139 of 1,614,104 alleles (0.0086%); highest among the groups gnomAD compares: Middle Eastern, 0.016%; no homozygotes.

Submissions (2):

Labcorp Genetics (formerly Invitae), Labcorp
Classification: Likely benign. Last evaluated: 2025-10-02. Review status: criteria provided, single submitter. Criteria: Invitae Variant Classification Sherloc (09022015). Collection method: clinical testing. Allele origin: germline.

CeGaT Center for Human Genetics Tuebingen
Classification: Likely benign. Last evaluated: 2024-08-01. Review status: criteria provided, single submitter. Criteria: CeGaT Center For Human Genetics Tuebingen Variant Classification Criteria Version 2. Collection method: clinical testing. Allele origin: germline. Affected: yes. Observed: 1 variant allele.
Comment: KANK1: BP4, BP7